The following is an entry in ClinVar:

NM_000393.5(COL5A2):c.1873G>T (p.Asp625Tyr)

Gene: COL5A2 (collagen type V alpha 2 chain; minus strand). Cytogenetic location: 2q32.2.
Variant type: single nucleotide variant.
Coding change: c.1873G>T on transcript NM_000393.5 (MANE Select); coding-DNA position 1873, G replaced by T.
Protein change: p.Asp625Tyr; replaces aspartic acid 625 with tyrosine.
Molecular consequence: missense variant.
Genome position (GRCh38, 1-based): chr2:189,063,060, C>A on the plus strand (G>T on the coding strand, the complement: COL5A2 is on the minus strand). VCF-style: chr2-189063060-C-A. GRCh37 (hg19) VCF-style: chr2-189927786-C-A.
Other names: short protein forms D625Y.
Identifiers: ClinVar variation 4811683 (VCV004811683.1).

ClinVar aggregate classification (germline): Uncertain significance (1 of 4 stars; one submission).

Conditions:
Ehlers-Danlos syndrome, classic type, 1 (EDSCL1). Also called: Ehlers-Danlos Syndrome, Classic Type, COL5A1-Related; EDS I; EHLERS-DANLOS SYNDROME, GRAVIS TYPE; EHLERS-DANLOS SYNDROME, SEVERE CLASSIC TYPE; Ehlers-Danlos syndrome, type 1. Identifiers: MedGen C0268335, MONDO:0019567, OMIM 130000.

Submission:

Labcorp Genetics (formerly Invitae), Labcorp
Classification: Uncertain significance for Ehlers-Danlos syndrome, classic type, 1. Last evaluated: 2025-12-20. Review status: criteria provided, single submitter. Criteria: Invitae Variant Classification Sherloc (09022015). Collection method: clinical testing. Allele origin: germline.
Comment: This sequence change replaces aspartic acid, which is acidic and polar, with tyrosine, which is neutral and polar, at codon 625 of the COL5A2 protein (p.Asp625Tyr). This variant is not present in population databases (gnomAD no frequency). This variant has not been reported in the literature in individuals affected with COL5A2-related conditions. Invitae Evidence Modeling of protein sequence and biophysical properties (such as structural, functional, and spatial information, amino acid conservation, physicochemical variation, residue mobility, and thermodynamic stability) indicates that this missense variant is not expected to disrupt COL5A2 protein function with a negative predictive value of 80%. In summary, the available evidence is currently insufficient to determine the role of this variant in disease. Therefore, it has been classified as a Variant of Uncertain Significance.